The following is an entry in ClinVar:

NM_007294.4(BRCA1):c.1250A>G (p.Asn417Ser)

Gene: BRCA1 (BRCA1 DNA repair associated; minus strand). Cytogenetic location: 17q21.31.
Variant type: single nucleotide variant.
Coding change: c.1250A>G on transcript NM_007294.4 (MANE Select); coding-DNA position 1250, A replaced by G.
Protein change: p.Asn417Ser; replaces asparagine 417 with serine.
Molecular consequence: missense variant. On other transcripts: intron variant (137).
Genome position (GRCh38, 1-based): chr17:43,094,281, T>C on the plus strand (A>G on the coding strand, the complement: BRCA1 is on the minus strand). VCF-style: chr17-43094281-T-C. GRCh37 (hg19) VCF-style: chr17-41246298-T-C.
Other names: p.Asn417Ser; 1369A>G; c.1037A>G, p.Asn346Ser (NM_001407571.1, NM_001407853.1, NM_001407894.1 and 9 more transcripts); c.1250A>G, p.Asn417Ser (NM_001407581.1, NM_001407582.1, NM_001407583.1 and 30 more transcripts); c.1247A>G, p.Asn416Ser (NM_001407587.1, NM_001407590.1, NM_001407591.1 and 22 more transcripts); c.1241A>G, p.Asn414Ser (NM_001407646.1, NM_001407647.1); c.1127A>G, p.Asn376Ser (NM_001407648.1, NM_001407664.1, NM_001407665.1 and 19 more transcripts); c.1124A>G, p.Asn375Ser (NM_001407649.1, NM_001407670.1, NM_001407671.1 and 11 more transcripts); and 42 more; short protein forms N417S, N370S, N121S, N290S, N328S, N416S, N249S, N289S.
Identifiers: ClinVar variation 54174 (VCV000054174.64), dbSNP rs80357113, ClinGen allele CA000822.

ClinVar aggregate classification (germline): Conflicting classifications of pathogenicity. Review status: criteria provided, conflicting classifications (1 of 4 stars). 13 submissions from 13 submitters: Uncertain significance (5); Benign (1); Likely benign (4). 3 of the submissions do not count toward it. Last evaluated 2026-01-17.

Conditions:
Hereditary breast ovarian cancer syndrome. Also called: Hereditary breast and ovarian cancer syndrome (HBOC); Hereditary breast and ovarian cancer syndrome; Hereditary breast and ovarian cancer; Hereditary breast and/or ovarian cancer syndrome; Breast and ovarian cancer; BRCA1- and BRCA2-Associated Hereditary Breast and Ovarian Cancer. Identifiers: Orphanet 145, MedGen C0677776, MeSH D061325, MONDO:0003582. Disease mechanism: loss of function.
Familial pancreatic carcinoma. Identifiers: Orphanet 1333, MedGen C2931038, MONDO:0015278, OMIM 260350.
Hereditary cancer-predisposing syndrome. Also called: Tumor predisposition; Neoplastic Syndromes, Hereditary; Hereditary Cancer Syndrome; Hereditary neoplastic syndrome. Identifiers: Orphanet 140162, MedGen C0027672, MeSH D009386, MONDO:0015356.
Breast-ovarian cancer, familial, susceptibility to, 1 (BROVCA1). Also called: OVARIAN CANCER, SUSCEPTIBILITY TO; BRCA1 Hereditary Breast and Ovarian Cancer. Identifiers: Orphanet 145, MedGen C2676676, MONDO:0011450, OMIM 604370. Disease mechanism: loss of function.

Allele frequency attached by ClinVar (database versions not stated): TOPMed below 0.00001; gnomAD exomes 0.00002.
gnomAD v4.1: 28 of 1,614,180 alleles (0.0017%); highest among the groups gnomAD compares: Middle Eastern, 0.033%; no homozygotes.

Submissions (13):

Labcorp Genetics (formerly Invitae), Labcorp
Classification: Likely benign for Hereditary breast ovarian cancer syndrome. Last evaluated: 2026-01-17. Review status: criteria provided, single submitter. Criteria: Invitae Variant Classification Sherloc (09022015). Collection method: clinical testing. Allele origin: germline.

Quest Diagnostics Nichols Institute San Juan Capistrano
Classification: Uncertain significance. Last evaluated: 2025-03-07. Review status: criteria provided, single submitter. Criteria: Quest Diagnostics criteria. Collection method: clinical testing. Allele origin: unknown.
Comment: The BRCA1 c.1250A>G (p.Asn417Ser) variant has been reported in the published literature in individuals with breast cancer (PMID: 35886069 (2022), 33471991 (2021), see also LOVD) as well as reportedly healthy individuals (PMID: 33471991 (2021), see also LOVD). A minigene study suggests normal splicing in vitro (PMID: 18273839 (2008)). Additionally, this variant is located in a region of the BRCA1 gene that is tolerant to missense sequence changes (PMID: 31911673 (2020)). This variant has not been reported in large, multi-ethnic general populations (Genome Aggregation Database). Analysis of this variant using bioinformatics tools for the prediction of the effect of amino acid changes on protein structure and function yielded predictions that this variant is benign. Based on the available information, we are unable to determine the clinical significance of this variant.

University of Washington Department of Laboratory Medicine, University of Washington
Classification: Likely benign for Hereditary cancer-predisposing syndrome. Last evaluated: 2023-03-23. Review status: criteria provided, single submitter. Criteria: Dines et al. (Genet Med. 2020). Collection method: curation. Allele origin: germline.
Comment: Missense variant in a coldspot region where missense variants are very unlikely to be pathogenic (PMID:31911673).

BRCA1 coldspot (exon 11 using historical exon numbering). Reclassification based on statistical prior probability

Mayo Clinic Laboratories, Mayo Clinic
Classification: Uncertain significance. Last evaluated: 2022-11-30. Review status: criteria provided, single submitter. Criteria: ACMG Guidelines, 2015. Collection method: clinical testing. Allele origin: germline. Observed: 1 variant allele.
Comment: PM2

GeneDx
Classification: Likely benign. Last evaluated: 2021-05-11. Review status: criteria provided, single submitter. Criteria: GeneDx Variant Classification Process June 2021. Collection method: clinical testing. Allele origin: germline. Affected: yes.
Comment: This variant is associated with the following publications: (PMID: 23704879, 16905680, 15235020, 16518693, 27062684)

Revvity Omics, Revvity
Classification: Uncertain significance. Last evaluated: 2021-03-12. Review status: criteria provided, single submitter. Criteria: ACMG Guidelines, 2015. Collection method: clinical testing. Allele origin: germline.

Department of Pathology and Laboratory Medicine, Sinai Health System
Classification: Uncertain significance for Hereditary breast ovarian cancer syndrome; Familial pancreatic carcinoma. Last evaluated: 2020-10-02. Review status: criteria provided, single submitter. Criteria: ACMG Guidelines, 2015. Collection method: clinical testing. Allele origin: germline. Affected: yes.

Color Diagnostics, LLC DBA Color Health
Classification: Likely benign for Hereditary cancer-predisposing syndrome. Last evaluated: 2018-05-08. Review status: criteria provided, single submitter. Criteria: ACMG Guidelines, 2015. Collection method: clinical testing. Allele origin: germline.

Illumina Laboratory Services, Illumina
Classification: Uncertain significance for Breast-ovarian cancer, familial, susceptibility to, 1. Last evaluated: 2017-04-27. Review status: criteria provided, single submitter. Criteria: ICSL Variant Classification Criteria 13 December 2019. Collection method: clinical testing. Allele origin: germline.
Comment: This variant was observed as part of a predisposition screen in an ostensibly healthy population. A literature search was performed for the gene, cDNA change, and amino acid change (where applicable). Publications were found based on this search. However, the evidence from the literature, in combination with allele frequency data from public databases where available, was not sufficient to rule this variant in or out of causing disease. Therefore, this variant is classified as a variant of unknown significance.

Ambry Genetics
Classification: Benign for Hereditary cancer-predisposing syndrome. Last evaluated: 2014-11-18. Review status: criteria provided, single submitter. Criteria: Ambry Variant Classification Scheme 2023. Collection method: clinical testing. Allele origin: germline.

Counsyl
Classification: Uncertain significance for Breast-ovarian cancer, familial, susceptibility to, 1. Last evaluated: 2018-02-06. Review status: no assertion criteria provided. Collection method: clinical testing. Allele origin: unknown. Not counted in ClinVar's aggregate classification.

Sharing Clinical Reports Project (SCRP)
Classification: Benign for Breast-ovarian cancer, familial 1. Last evaluated: 2012-05-01. Review status: no assertion criteria provided. Collection method: clinical testing. Allele origin: germline. Not counted in ClinVar's aggregate classification.

Breast Cancer Information Core (BIC) (BRCA1)
Classification: Uncertain significance for Breast-ovarian cancer, familial 1. Last evaluated: 2002-05-29. Review status: no assertion criteria provided. Collection method: clinical testing. Allele origin: germline. Affected: yes. Observed: 2 variant alleles. Not counted in ClinVar's aggregate classification.

Literature cited by the submitters: PubMed 31911673 (cited by Quest Diagnostics Nichols Institute San Juan Capistrano); PubMed 33471991 (cited by Quest Diagnostics Nichols Institute San Juan Capistrano); PubMed 27062684 (cited by Quest Diagnostics Nichols Institute San Juan Capistrano); PubMed 15235020 (cited by 3 submitters); PubMed 16518693 (cited by 4 submitters); PubMed 16905680 (cited by 5 submitters); PubMed 23704879 (cited by 3 submitters); PubMed 18273839 (cited by Quest Diagnostics Nichols Institute San Juan Capistrano); PubMed 35886069 (cited by Quest Diagnostics Nichols Institute San Juan Capistrano).